The following is an entry in ClinVar:

NM_016188.5(ACTL6B):c.883G>C (p.Gly295Arg)

Gene: ACTL6B (actin like 6B; minus strand). Cytogenetic location: 7q22.1.
Variant type: single nucleotide variant.
Coding change: c.883G>C on transcript NM_016188.5 (MANE Select); coding-DNA position 883, G replaced by C.
Protein change: p.Gly295Arg; replaces glycine 295 with arginine.
Molecular consequence: missense variant. On other transcripts: non-coding transcript variant (1).
Genome position (GRCh38, 1-based): chr7:100,647,024, C>G on the plus strand (G>C on the coding strand, the complement: ACTL6B is on the minus strand). VCF-style: chr7-100647024-C-G. GRCh37 (hg19) VCF-style: chr7-100244647-C-G.
Other names: short protein forms G295R.
Identifiers: ClinVar variation 5007110 (VCV005007110.2).

ClinVar aggregate classification (germline): Uncertain significance (1 of 4 stars; one submission).

Conditions:
Developmental and epileptic encephalopathy, 76. Also called: EPILEPTIC ENCEPHALOPATHY, EARLY INFANTILE, 76; DEVELOPMENTAL DELAY, EPILEPTIC ENCEPHALOPATHY, CEREBRAL ATROPHY, AND ABNORMAL MYELINATION. Identifiers: MedGen C5193113, MONDO:0032768, OMIM 618468.
Intellectual developmental disorder with severe speech and ambulation defects. Identifiers: MedGen C5193115, MONDO:0032770, OMIM 618470.

Submission:

Juno Genomics, Hangzhou Juno Genomics, Inc
Classification: Uncertain significance for Developmental and epileptic encephalopathy, 76; Intellectual developmental disorder with severe speech and ambulation defects. Review status: criteria provided, single submitter. Criteria: ACMG Guidelines, 2015. Collection method: clinical testing. Allele origin: germline.
Comment: Absent from controls (or at extremely low frequency if recessive) in Genome Aggregation Database.;Missense variant in a gene that has a low rate of benign missense variation.;Multiple lines of computational evidence support a deleterious effect on the gene or gene product.